The following is an entry in ClinVar:

NM_001267550.2(TTN):c.104560G>C (p.Val34854Leu)

Genes: TTN (titin; minus strand), TTN-AS1 (TTN antisense RNA 1; plus strand). Cytogenetic location: 2q31.2.
Variant type: single nucleotide variant.
Coding change: c.104560G>C on transcript NM_001267550.2 (MANE Select); coding-DNA position 104560, G replaced by C.
Protein change: p.Val34854Leu; replaces valine 34854 with leucine.
Molecular consequence: missense variant.
Genome position (GRCh38, 1-based): chr2:178,532,055, C>G on the plus strand (G>C on the coding strand, the complement: TTN is on the minus strand). VCF-style: chr2-178532055-C-G. GRCh37 (hg19) VCF-style: chr2-179396782-C-G.
Other names: p.V32286L:GTG>CTG; p.Val33213Leu; c.99637G>C, p.Val33213Leu (NM_001256850.1); c.77365G>C, p.Val25789Leu (NM_003319.4); c.96856G>C, p.Val32286Leu (NM_133378.4); c.77740G>C, p.Val25914Leu (NM_133432.3); c.77941G>C, p.Val25981Leu (NM_133437.4); short protein forms V34854L, V32286L, V25981L, V33213L, V25789L, V25914L.
Identifiers: ClinVar variation 47674 (VCV000047674.90), dbSNP rs55866005, ClinGen allele CA289122.

ClinVar aggregate classification (germline): Conflicting classifications of pathogenicity. Review status: criteria provided, conflicting classifications (1 of 4 stars). 29 submissions from 25 submitters: Uncertain significance (4); Benign (13); Likely benign (5). 7 of the submissions do not count toward it. Last evaluated 2026-09-01.

Conditions:
Cardiovascular phenotype. Identifiers: MedGen CN230736.
TTN-related disorder. Also called: TTN-related disorders; TTN-related condition; TTN-related disease.
Dilated cardiomyopathy 1G (CMD1G). Identifiers: Orphanet 154, MedGen C1858763, MONDO:0011400, OMIM 604145.
Autosomal recessive limb-girdle muscular dystrophy type 2J (LGMDR10). Also called: MUSCULAR DYSTROPHY, LIMB-GIRDLE, AUTOSOMAL RECESSIVE 10; Limb-girdle muscular dystrophy, type 2J. Identifiers: Orphanet 140922, MedGen C1837342, MONDO:0012127, OMIM 608807.
Cardiomyopathy (CMYO). Also called: Cardiomyopathies. Identifiers: Orphanet 167848, MedGen C0878544, MONDO:0004994, HP:0001638. Inheritance: Various modes of inheritance.
Early-onset myopathy with fatal cardiomyopathy (CMYO5). Also called: CONGENITAL MYOPATHY 5 WITH CARDIOMYOPATHY; Salih Myopathy. Identifiers: Orphanet 289377, MedGen C2673677, MONDO:0012714, OMIM 611705. Disease mechanism: loss of function.
Myopathy, myofibrillar, 9, with early respiratory failure (MFM9). Also called: Myopathy, distal, with early respiratory failure, autosomal dominant; Hereditary myopathy with early respiratory failure; MYOPATHY, PROXIMAL, WITH EARLY RESPIRATORY MUSCLE INVOLVEMENT; EDSTROM MYOPATHY. Identifiers: Orphanet 178464, Orphanet 34521, MedGen C1863599, MONDO:0011362, OMIM 603689.
Tibial muscular dystrophy (TMD). Also called: Udd Distal Myopathy – Tibial Muscular Dystrophy; Tibial muscular dystrophy, tardive; UDD MYOPATHY. Identifiers: Orphanet 609, MedGen C1838244, MONDO:0010870, OMIM 600334.

Allele frequency attached by ClinVar (database versions not stated): 1000 Genomes Project 30x 0.00234; 1000 Genomes Project 0.00240; TOPMed 0.00445; gnomAD 0.00531 and 0.00523; gnomAD exomes 0.00698 and 0.00537; ExAC 0.00497; ESP Exome Variant Server 0.00623.
gnomAD v4.1: 10,941 of 1,613,942 alleles (0.68%); highest among the groups gnomAD compares: Non-Finnish European, 0.82%; 45 homozygotes.

Submissions 1 to 20 of 29:

CeGaT Center for Human Genetics Tuebingen
Classification: Likely benign. Last evaluated: 2026-09-01. Review status: criteria provided, single submitter. Criteria: CeGaT Center For Human Genetics Tuebingen Variant Classification Criteria Version 2. Collection method: clinical testing. Allele origin: germline. Affected: yes. Observed: 91 variant alleles.
Comment: TTN: BS2

Labcorp Genetics (formerly Invitae), Labcorp
Classification: Benign for Dilated cardiomyopathy 1G; Autosomal recessive limb-girdle muscular dystrophy type 2J. Last evaluated: 2026-02-03. Review status: criteria provided, single submitter. Criteria: Invitae Variant Classification Sherloc (09022015). Collection method: clinical testing. Allele origin: germline.

ARUP Laboratories, Molecular Genetics and Genomics, ARUP Laboratories
Classification: Likely benign. Last evaluated: 2025-04-21. Review status: criteria provided, single submitter. Criteria: ARUP Molecular Germline Variant Investigation Process 2024. Collection method: clinical testing. Allele origin: germline.

Molecular Diagnostic Laboratory for Inherited Cardiovascular Disease, Montreal Heart Institute
Classification: Likely benign. Last evaluated: 2025-04-09. Review status: criteria provided, single submitter. Criteria: ACMG Guidelines, 2015. Collection method: clinical testing. Allele origin: germline. Affected: no.

Blueprint Genetics
Classification: Likely benign. Last evaluated: 2024-11-26. Review status: criteria provided, single submitter. Criteria: ACMG Guidelines, 2015. Collection method: clinical testing. Allele origin: germline.

Athena Diagnostics
Classification: Benign. Last evaluated: 2024-05-17. Review status: criteria provided, single submitter. Criteria: Athena Diagnostics Criteria. Collection method: clinical testing. Allele origin: unknown.

Mayo Clinic Laboratories, Mayo Clinic
Classification: Benign. Last evaluated: 2023-08-08. Review status: criteria provided, single submitter. Criteria: ACMG Guidelines, 2015. Collection method: clinical testing. Allele origin: germline. Observed: 30 variant alleles.
Comment: BS1, BS2, BP4

Women's Health and Genetics/Laboratory Corporation of America, LabCorp
Classification: Benign. Last evaluated: 2019-10-08. Review status: criteria provided, single submitter. Criteria: LabCorp Variant Classification Summary - May 2015. Collection method: clinical testing. Allele origin: germline.
Comment: Variant summary: TTN c.96856G>C (p.Val32286Leu) results in a conservative amino acid change in the encoded protein sequence. Three of four in-silico tools predict a benign effect of the variant on protein function. The variant allele was found at a frequency of 0.0054 in 248872 control chromosomes in the gnomAD database, including 5 homozygotes. The observed variant frequency is approximately 9 fold of the estimated maximal expected allele frequency for a pathogenic variant in TTN causing Cardiomyopathy phenotype (0.00063), strongly suggesting that the variant is benign. Co-occurrence with a pathogenic variant has been reported (MYH7 c.2539A>G, p.K847E), providing supporting evidence for a benign role. Seven clinical diagnostic laboratories have submitted clinical-significance assessments for this variant to ClinVar after 2014 without evidence for independent evaluation. All laboratories classified the variant as benign/likely benign. Based on the evidence outlined above, the variant was classified as benign.

CHEO Genetics Diagnostic Laboratory, Children's Hospital of Eastern Ontario
Classification: Benign for Cardiomyopathy. Last evaluated: 2019-03-11. Review status: criteria provided, single submitter. Criteria: ACMG Guidelines, 2015. Collection method: clinical testing. Allele origin: germline.

Center for Advanced Laboratory Medicine, UC San Diego Health, University of California San Diego
Classification: Benign for Cardiomyopathy. Last evaluated: 2019-02-05. Review status: criteria provided, single submitter. Criteria: ACMG Guidelines, 2015. Collection method: clinical testing. Allele origin: germline. Affected: yes. Observed: 4 variant alleles.

Illumina Laboratory Services, Illumina
Classification: Benign for Tibial muscular dystrophy. Last evaluated: 2018-01-12. Review status: criteria provided, single submitter. Criteria: ICSL Variant Classification Criteria 13 December 2019. Collection method: clinical testing. Allele origin: germline.
Comment: This variant was observed in the ICSL laboratory as part of a predisposition screen in an ostensibly healthy population. It had not been previously curated by ICSL or reported in the Human Gene Mutation Database (HGMD: prior to June 1st, 2018), and was therefore a candidate for classification through an automated scoring system. Utilizing variant allele frequency, disease prevalence and penetrance estimates, and inheritance mode, an automated score was calculated to assess if this variant is too frequent to cause the disease. Based on the score and internal cut-off values, a variant classified as benign is not then subjected to further curation. The score for this variant resulted in a classification of benign for this disease.

Illumina Laboratory Services, Illumina
Classification: Uncertain significance for Dilated cardiomyopathy 1G. Last evaluated: 2018-01-12. Review status: criteria provided, single submitter. Criteria: ICSL Variant Classification Criteria 13 December 2019. Collection method: clinical testing. Allele origin: germline.

Illumina Laboratory Services, Illumina
Classification: Benign for Myopathy, myofibrillar, 9, with early respiratory failure. Last evaluated: 2018-01-12. Review status: criteria provided, single submitter. Criteria: ICSL Variant Classification Criteria 13 December 2019. Collection method: clinical testing. Allele origin: germline.
Comment: the same text as in the submission from Illumina Laboratory Services, Illumina above.

Illumina Laboratory Services, Illumina
Classification: Uncertain significance for Autosomal recessive limb-girdle muscular dystrophy type 2J. Last evaluated: 2018-01-12. Review status: criteria provided, single submitter. Criteria: ICSL Variant Classification Criteria 13 December 2019. Collection method: clinical testing. Allele origin: germline.

Illumina Laboratory Services, Illumina
Classification: Uncertain significance for Early-onset myopathy with fatal cardiomyopathy. Last evaluated: 2018-01-12. Review status: criteria provided, single submitter. Criteria: ICSL Variant Classification Criteria 13 December 2019. Collection method: clinical testing. Allele origin: germline.

GeneDx
Classification: Benign. Last evaluated: 2016-11-04. Review status: criteria provided, single submitter. Criteria: GeneDx Variant Classification (06012015). Collection method: clinical testing. Allele origin: germline. Affected: yes.
Comment: This variant is considered likely benign or benign based on one or more of the following criteria: it is a conservative change, it occurs at a poorly conserved position in the protein, it is predicted to be benign by multiple in silico algorithms, and/or has population frequency not consistent with disease.

Genomic Diagnostic Laboratory, Division of Genomic Diagnostics, Children's Hospital of Philadelphia
Classification: Benign. Last evaluated: 2015-07-27. Review status: criteria provided, single submitter. Criteria: DGD Variant Analysis Guidelines. Collection method: clinical testing. Allele origin: unknown.

Eurofins Ntd Llc (ga)
Classification: Benign. Last evaluated: 2015-07-20. Review status: criteria provided, single submitter. Criteria: EGL Classification Definitions 2015. Collection method: clinical testing. Allele origin: germline. Observed: 1 variant allele, 1 heterozygote.

Laboratory for Molecular Medicine, Mass General Brigham Personalized Medicine
Classification: Likely benign. Last evaluated: 2015-03-21. Review status: criteria provided, single submitter. Criteria: LMM Criteria. Collection method: clinical testing. Allele origin: germline. Observed: 19 variant alleles.
Comment: p.Val32286Leu in exon 307 of TTN: This variant is not expected to have clinical significance because it has been identified in 0.7% (478/66642) of European chro mosomes by the Exome Aggregation Consortium (ExAC, g; dbSNP rs55866005).

Genetic Services Laboratory, University of Chicago
Classification: Uncertain significance. Last evaluated: 2013-08-20. Review status: criteria provided, single submitter. Criteria: ACMG Guidelines, 2007. Collection method: clinical testing. Allele origin: germline.